The following is an entry in ClinVar:

ClinVar aggregate classification (germline): Likely pathogenic (1 of 4 stars; one submission).

Conditions:
Familial intrahepatic cholestasis. Identifiers: Orphanet 284385, MedGen CN296401, MONDO:0017290.
Low phospholipid associated cholelithiasis (GBD1). Also called: Gallbladder disease 1; Gallstone cholecystitis. Identifiers: Orphanet 69663, MedGen C2609268, MONDO:0010939, OMIM 600803.

Submission:

Genomenon, Inc
Classification: Likely pathogenic for Familial intrahepatic cholestasis; Low phospholipid associated cholelithiasis. Last evaluated: 2026-04-14. Review status: criteria provided, single submitter. Criteria: Genomenon Sequence Variant Interpretation Standards - Updated. Collection method: curation. Allele origin: germline. Affected: no.
Comment: ABCB4 p.Gly9GlufsTer29 (c.26del) is a frameshift variant that results in the production of a truncated protein that may be subject to nonsense-mediated mRNA decay. This variant has been reported in the published literature (PMID:38374565). It is absent or not present at a significant frequency in gnomAD. In conclusion, we classify ABCB4 p.Gly9GlufsTer29 (c.26del) as a likely pathogenic variant.

Literature cited by the submitters: PubMed 38374565.

NM_000443.4(ABCB4):c.26del (p.Gly9fs)

Genes: ABCB4 (ATP binding cassette subfamily B member 4; minus strand), LOC129998756 (ATAC-STARR-seq lymphoblastoid silent region 18347; plus strand). Cytogenetic location: 7q21.12.
Variant type: Deletion.
Coding change: c.26del on transcript NM_000443.4 (MANE Select); coding-DNA position 26, one base deleted (G; older notation c.26delG).
Protein change: p.Gly9fs; shifts the reading frame from glycine 9.
Molecular consequence: frameshift variant.
Genome position (GRCh38, 1-based): chr7:87,475,440, C deleted on the plus strand (G on the coding strand, the reverse complement: ABCB4 is on the minus strand); the first of 2 consecutive C bases (chr7:87,475,440-87,475,441); deleting either gives the same sequence. VCF-style (leftmost placement, unchanged base first): chr7-87475439-TC-T. GRCh37 (hg19) VCF-style: chr7-87104755-TC-T.
Other names: c.26del, p.Gly9fs (NM_018849.3, NM_018850.3); short protein forms G9fs.
Identifiers: ClinVar variation 4846487 (VCV004846487.1).